The following is an entry in ClinVar:

NM_001122955.4(BSCL2):c.479G>A (p.Arg160His)

Genes: BSCL2 (BSCL2 lipid droplet biogenesis associated, seipin; minus strand), HNRNPUL2-BSCL2 (HNRNPUL2-BSCL2 readthrough (NMD candidate); minus strand). Cytogenetic location: 11q12.3.
Variant type: single nucleotide variant.
Coding change: c.479G>A on transcript NM_001122955.4 (MANE Select); coding-DNA position 479, G replaced by A.
Protein change: p.Arg160His; replaces arginine 160 with histidine.
Molecular consequence: missense variant. On other transcripts: non-coding transcript variant (1).
Genome position (GRCh38, 1-based): chr11:62,702,475, C>T on the plus strand (G>A on the coding strand, the complement: BSCL2 is on the minus strand). VCF-style: chr11-62702475-C-T. GRCh37 (hg19) VCF-style: chr11-62469947-C-T.
Other names: c.287G>A, p.Arg96His (NM_001130702.2, NM_032667.6); c.479G>A, p.Arg160His (NM_001386027.1, NM_001386028.1); short protein forms R160H, R96H.
Identifiers: ClinVar variation 1706474 (VCV001706474.10), dbSNP rs748287282, ClinGen allele CA6053564.

ClinVar aggregate classification (germline): Uncertain significance. Review status: criteria provided, multiple submitters, no conflicts (2 of 4 stars). 5 submissions from 5 submitters: Uncertain significance (4). 1 of the submissions does not count toward it. Last evaluated 2025-01-20.

Conditions:
Charcot-Marie-Tooth disease type 2. Also called: Charcot-Marie-Tooth type 2. Identifiers: Orphanet 64746, MedGen C0270914, MONDO:0018993.
Congenital generalized lipodystrophy type 2 (CGL2). Also called: SEIP SYNDROME; BERARDINELLI SYNDROME; BRUNZELL SYNDROME, BSCL2-RELATED; Berardinelli-Seip Congenital Lipodystrophy Type 2. Identifiers: Orphanet 528, Orphanet 696289, MedGen C1720863, MONDO:0010020, OMIM 269700.
Hereditary spastic paraplegia 17. Also called: Spastic Paraplegia 17; Autosomal dominant spastic paraplegia type 17; Silver Syndrome; SPASTIC PARAPLEGIA WITH AMYOTROPHY OF HANDS AND FEET; Silver spastic paraplegia syndrome. Identifiers: Orphanet 100998, MedGen C2931276, MONDO:0010043, OMIM 270685.
Neuronopathy, distal hereditary motor, type 5C. Also called: NEURONOPATHY, DISTAL HEREDITARY MOTOR, AUTOSOMAL DOMINANT 13; NEURONOPATHY, DISTAL HEREDITARY MOTOR, HARDING TYPE VC; NEUROPATHY, DISTAL HEREDITARY MOTOR, HARDING TYPE VC; SPINAL MUSCULAR ATROPHY, DISTAL, HARDING TYPE VC; DHMN VC. Identifiers: MedGen C5436838, MONDO:0030860, OMIM 619112.
Severe neurodegenerative syndrome with lipodystrophy. Also called: ENCEPHALOPATHY, PROGRESSIVE, WITH LIPODYSTROPHY; Encephalopathy, progressive, with or without lipodystrophy. Identifiers: Orphanet 363400, MedGen C4014700, MONDO:0014402, OMIM 615924.
BSCL2-related disorder. Also called: BSCL2-related condition; BSCL2-Related Disorders.

Allele frequency attached by ClinVar (database versions not stated): gnomAD exomes below 0.00001; ExAC 0.00001; gnomAD 0.00001.
gnomAD v4.1: 6 of 1,611,984 alleles (0.00037%); highest among the groups gnomAD compares: African/African-American, 0.0053%; no homozygotes.

Submissions (5):

Women's Health and Genetics/Laboratory Corporation of America, LabCorp
Classification: Uncertain significance. Last evaluated: 2025-01-20. Review status: criteria provided, single submitter. Criteria: LabCorp Variant Classification Summary - May 2015. Collection method: clinical testing. Allele origin: germline.
Comment: Variant summary: BSCL2 c.287G>A (p.Arg96His) results in a non-conservative amino acid change in the encoded protein sequence. Three of three in-silico tools predict a damaging effect of the variant on protein function. The variant allele was found at a frequency of 4e-06 in 251276 control chromosomes (gnomAD). The available data on variant occurrences in the general population are insufficient to allow any conclusion about variant significance. c.287G>A has been reported in the literature in at least one individual affected with Motor neuropathy (Hsiao_2016). These data do not allow any conclusion about variant significance. At least one publication reports experimental evidence evaluating an impact on protein function and this variant resulted in a remarkably low seipin expression and reduced cell viability (Hsiao_2016). The following publication have been ascertained in the context of this evaluation (PMID: 26815532). ClinVar contains an entry for this variant (Variation ID: 1706474). Based on the evidence outlined above, the variant was classified as uncertain significance.

PreventionGenetics, part of Exact Sciences
Classification: Uncertain significance for BSCL2-related condition. Last evaluated: 2024-11-21. Review status: criteria provided, single submitter. Criteria: ACMG Guidelines, 2015. Collection method: clinical testing. Allele origin: germline.
Comment: The BSCL2 c.479G>A variant is predicted to result in the amino acid substitution p.Arg160His. This variant, alternatively referred to as p.Arg96His using transcript NM_001130702.2, has been reported in the heterozygous state in an individual with neuropathy (Hsiao et al. 2016. PubMed ID: 26815532). This variant is reported in 0.0080% of alleles in individuals of African descent in gnomAD. An in vitro experimental study suggests this variant affects protein expression levels (Hsiao et al. 2016. PubMed ID: 26815532). At this time, the clinical significance of this variant is uncertain due to the absence of conclusive functional and genetic evidence.

Labcorp Genetics (formerly Invitae), Labcorp
Classification: Uncertain significance for Charcot-Marie-Tooth disease type 2. Last evaluated: 2024-05-22. Review status: criteria provided, single submitter. Criteria: Invitae Variant Classification Sherloc (09022015). Collection method: clinical testing. Allele origin: germline.
Comment: This sequence change replaces arginine, which is basic and polar, with histidine, which is basic and polar, at codon 96 of the BSCL2 protein (p.Arg96His). The frequency data for this variant in the population databases is considered unreliable, as metrics indicate poor data quality at this position in the gnomAD database. This missense change has been observed in individual(s) with distal hereditary motor neuropathy (dHMN) (PMID: 26815532). ClinVar contains an entry for this variant (Variation ID: 1706474). Advanced modeling of protein sequence and biophysical properties (such as structural, functional, and spatial information, amino acid conservation, physicochemical variation, residue mobility, and thermodynamic stability) performed at Invitae indicates that this missense variant is not expected to disrupt BSCL2 protein function with a negative predictive value of 80%. Experimental studies are conflicting or provide insufficient evidence to determine the effect of this variant on BSCL2 function (PMID: 26815532). In summary, the available evidence is currently insufficient to determine the role of this variant in disease. Therefore, it has been classified as a Variant of Uncertain Significance.

Fulgent Genetics
Classification: Uncertain significance for Congenital generalized lipodystrophy type 2; Hereditary spastic paraplegia 17; Severe neurodegenerative syndrome with lipodystrophy; Neuronopathy, distal hereditary motor, type 5C. Last evaluated: 2024-05-07. Review status: criteria provided, single submitter. Criteria: ACMG Guidelines, 2015. Collection method: clinical testing. Allele origin: germline.

GeneReviews
No classification provided. Condition: Hereditary spastic paraplegia 17. Review status: no classification provided. Collection method: literature only. Allele origin: germline. Not counted in ClinVar's aggregate classification.

Literature cited by the submitters: PubMed 26815532 (cited by Women's Health and Genetics/Laboratory Corporation of America, LabCorp and Labcorp Genetics (formerly Invitae), Labcorp).